The following is an entry in ClinVar:

NM_001005373.4(LRSAM1):c.1990C>A (p.Pro664Thr)

Gene: LRSAM1 (leucine rich repeat and sterile alpha motif containing 1; plus strand). Cytogenetic location: 9q34.11.
Variant type: single nucleotide variant.
Coding change: c.1990C>A on transcript NM_001005373.4 (MANE Select); coding-DNA position 1990, C replaced by A.
Protein change: p.Pro664Thr; replaces proline 664 with threonine.
Molecular consequence: missense variant. On other transcripts: non-coding transcript variant (2).
Genome position (GRCh38, 1-based): chr9:127,501,087, C>A. VCF-style: chr9-127501087-C-A. GRCh37 (hg19) VCF-style: chr9-130263366-C-A.
Other names: c.1990C>A, p.Pro664Thr (NM_001005374.4, NM_001384142.1, NM_138361.5); c.1909C>A, p.Pro637Thr (NM_001190723.3); c.1891C>A, p.Pro631Thr (NM_001384143.1); c.1201C>A, p.Pro401Thr (NM_001384144.1); short protein forms P637T, P631T, P664T, P401T.
Identifiers: ClinVar variation 1462331 (VCV001462331.6), dbSNP rs148846371, ClinGen allele CA5247220.
Genomic context (GRCh38, chr9:127,501,087, plus strand): 5'-GGTGAGGTCGTCACCCCTACGGCCCCCCAGGAGCCTCCTGAGTCTGTGAGGCCATCCGCT[C>A]CCCCTGCAGAGCTGGAGGTGCAGGCCTCAGAGTGTGTCGTGTGCCTGGAACGGGAGGTAA-3'
Protein context (NP_001005373.1, residues 654-674): EPPESVRPSA[Pro664Thr]PAELEVQASE

ClinVar aggregate classification (germline): Uncertain significance (1 of 4 stars; one submission).

Conditions:
Charcot-Marie-Tooth disease axonal type 2P. Also called: Charcot-Marie-Tooth Neuropathy Type 2G; CHARCOT-MARIE-TOOTH DISEASE, AXONAL, TYPE 2G; CMT 2G; CHARCOT-MARIE-TOOTH NEUROPATHY, TYPE 2P. Identifiers: Orphanet 300319, Orphanet 99941, MedGen C3280797, MONDO:0013753, OMIM 614436.

Allele frequency attached by ClinVar (database versions not stated): ExAC 0.00001.
gnomAD v4.1: 1 of 1,613,938 alleles (0.000062%); highest among the groups gnomAD compares: Non-Finnish European, 0.000085%; no homozygotes.

Submission:

Labcorp Genetics (formerly Invitae), Labcorp
Classification: Uncertain significance for Charcot-Marie-Tooth disease axonal type 2P. Last evaluated: 2021-10-21. Review status: criteria provided, single submitter. Criteria: Invitae Variant Classification Sherloc (09022015). Collection method: clinical testing. Allele origin: germline.
Comment: In summary, the available evidence is currently insufficient to determine the role of this variant in disease. Therefore, it has been classified as a Variant of Uncertain Significance. Algorithms developed to predict the effect of missense changes on protein structure and function (SIFT, PolyPhen-2, Align-GVGD) all suggest that this variant is likely to be disruptive. This variant has not been reported in the literature in individuals affected with LRSAM1-related conditions. This variant is present in population databases (rs148846371, ExAC 0.002%). This sequence change replaces proline with threonine at codon 664 of the LRSAM1 protein (p.Pro664Thr). The proline residue is highly conserved and there is a small physicochemical difference between proline and threonine.